The following is an entry in ClinVar:

NM_199242.3(UNC13D):c.1801T>A (p.Tyr601Asn)

Gene: UNC13D (unc-13 homolog D; minus strand). Cytogenetic location: 17q25.1.
Variant type: single nucleotide variant.
Coding change: c.1801T>A on transcript NM_199242.3 (MANE Select); coding-DNA position 1801, T replaced by A.
Protein change: p.Tyr601Asn; replaces tyrosine 601 with asparagine.
Molecular consequence: missense variant.
Genome position (GRCh38, 1-based): chr17:75,835,456, A>T on the plus strand (T>A on the coding strand, the complement: UNC13D is on the minus strand). VCF-style: chr17-75835456-A-T. GRCh37 (hg19) VCF-style: chr17-73831537-A-T.
Other names: short protein forms Y601N.
Identifiers: ClinVar variation 4737146 (VCV004737146.1).

ClinVar aggregate classification (germline): Uncertain significance (1 of 4 stars; one submission).

Conditions:
Familial hemophagocytic lymphohistiocytosis 3 (FHL3). Also called: UNC13D-Related Familial Hemophagocytic Lymphohistiocytosis (UNC13D-fHLH). Identifiers: Orphanet 540, MedGen C1837174, MONDO:0012146, OMIM 608898.

Submission:

Labcorp Genetics (formerly Invitae), Labcorp
Classification: Uncertain significance for Familial hemophagocytic lymphohistiocytosis 3. Last evaluated: 2025-04-20. Review status: criteria provided, single submitter. Criteria: Invitae Variant Classification Sherloc (09022015). Collection method: clinical testing. Allele origin: germline.
Comment: This sequence change replaces tyrosine, which is neutral and polar, with asparagine, which is neutral and polar, at codon 601 of the UNC13D protein (p.Tyr601Asn). This variant is not present in population databases (gnomAD no frequency). This variant has not been reported in the literature in individuals affected with UNC13D-related conditions. Invitae Evidence Modeling of protein sequence and biophysical properties (such as structural, functional, and spatial information, amino acid conservation, physicochemical variation, residue mobility, and thermodynamic stability) indicates that this missense variant is not expected to disrupt UNC13D protein function with a negative predictive value of 80%. In summary, the available evidence is currently insufficient to determine the role of this variant in disease. Therefore, it has been classified as a Variant of Uncertain Significance.